The following is an entry in ClinVar:

NM_007186.6(CEP250):c.2200del (p.Ala733_Leu734insTer)

Genes: CEP250 (centrosomal protein 250; plus strand), CEP250-AS1 (CEP250 antisense RNA 1; minus strand). Cytogenetic location: 20q11.22.
Variant type: Deletion.
Coding change: c.2200del on transcript NM_007186.6 (MANE Select); coding-DNA position 2200, one base deleted (C; older notation c.2200delC).
Protein change: p.Ala733_Leu734insTer.
Molecular consequence: nonsense.
Genome position (GRCh38, 1-based): chr20:35,479,336, C deleted; the last of 3 consecutive C bases (chr20:35,479,334-35,479,336); deleting any one gives the same sequence. VCF-style (leftmost placement, unchanged base first): chr20-35479333-GC-G. GRCh37 (hg19) VCF-style: chr20-34067158-GC-G.
Other names: c.304del, p.Ala101_Leu102insTer (NM_001318219.1).
Identifiers: ClinVar variation 2987709 (VCV002987709.3), dbSNP rs772325649, ClinGen allele CA9833115.
Genomic context (GRCh38, chr20:35,479,333, plus strand): 5'-CTACATCAGGAGGCAAAGCGACAGGAAGAAGTGCTTGCCAGGGCAGTCCAGGAGAAGGAG[GC>G]CCTAGTACGAGAGAAAGCGGCTCTAGAGGTGCGGCTGCAGGCCGTGGAGCGTGACCGGCA-3'

ClinVar aggregate classification (germline): Pathogenic (1 of 4 stars; one submission).

Submission:

Labcorp Genetics (formerly Invitae), Labcorp
Classification: Pathogenic. Last evaluated: 2025-03-17. Review status: criteria provided, single submitter. Criteria: Invitae Variant Classification Sherloc (09022015). Collection method: clinical testing. Allele origin: germline.
Comment: This sequence change creates a premature translational stop signal (p.Leu734*) in the CEP250 gene. It is expected to result in an absent or disrupted protein product. Loss-of-function variants in CEP250 are known to be pathogenic (PMID: 24780881, 29718797). This variant is present in population databases (rs772325649, gnomAD 0.007%). This variant has not been reported in the literature in individuals affected with CEP250-related conditions. ClinVar contains an entry for this variant (Variation ID: 2987709). For these reasons, this variant has been classified as Pathogenic.

Literature cited by the submitters: PubMed 24780881; PubMed 29718797.